The following is an entry in ClinVar:

NM_022835.3(PLEKHG2):c.3929C>T (p.Ser1310Phe)

Gene: PLEKHG2 (pleckstrin homology and RhoGEF domain containing G2; plus strand). Cytogenetic location: 19q13.2.
Variant type: single nucleotide variant.
Coding change: c.3929C>T on transcript NM_022835.3 (MANE Select); coding-DNA position 3929, C replaced by T.
Protein change: p.Ser1310Phe; replaces serine 1310 with phenylalanine.
Molecular consequence: missense variant. On other transcripts: intron variant (2).
Genome position (GRCh38, 1-based): chr19:39,425,062, C>T. VCF-style: chr19-39425062-C-T. GRCh37 (hg19) VCF-style: chr19-39915702-C-T.
Other names: c.3573-176C>T (NM_001351693.2); c.1678-176C>T (NM_001351694.2); c.3929C>T (NM_022835.2); short protein forms S1310F.
Identifiers: ClinVar variation 2131024 (VCV002131024.5), dbSNP rs1428244085, ClinGen allele CA405810660.
Genomic context (GRCh38, chr19:39,425,062, plus strand): 5'-TGGCTCGGCGGCAGGGGCCTGGGGGAGGGGCCCCCGCAGCCTCCCGGGGCTCCTGGTCCT[C>T]TGCTCCCACGTCACGGGCATCTTCGCCGCCCCCCCAGCCCCAGCCACCACCTCCCCCAGC-3'
Protein context (NP_073746.2, residues 1300-1320): APAASRGSWS[Ser1310Phe]APTSRASSPP

ClinVar aggregate classification (germline): Uncertain significance. Review status: criteria provided, multiple submitters, no conflicts (2 of 4 stars). 2 submissions from 2 submitters: Uncertain significance (2). Last evaluated 2025-03-07.

Allele frequency attached by ClinVar (database versions not stated): gnomAD exomes below 0.00001.
gnomAD v4.1: 1 of 1,598,026 alleles (0.000063%); highest among the groups gnomAD compares: Admixed American, 0.0017%; no homozygotes.

Submissions (2):

Labcorp Genetics (formerly Invitae), Labcorp
Classification: Uncertain significance. Last evaluated: 2025-03-07. Review status: criteria provided, single submitter. Criteria: Invitae Variant Classification Sherloc (09022015). Collection method: clinical testing. Allele origin: germline.
Comment: This sequence change replaces serine, which is neutral and polar, with phenylalanine, which is neutral and non-polar, at codon 1310 of the PLEKHG2 protein (p.Ser1310Phe). This variant is present in population databases (no rsID available, gnomAD 0.003%). This variant has not been reported in the literature in individuals affected with PLEKHG2-related conditions. ClinVar contains an entry for this variant (Variation ID: 2131024). An algorithm developed to predict the effect of missense changes on protein structure and function (PolyPhen-2) suggests that this variant is likely to be disruptive. In summary, the available evidence is currently insufficient to determine the role of this variant in disease. Therefore, it has been classified as a Variant of Uncertain Significance.

GeneDx
Classification: Uncertain significance. Last evaluated: 2022-09-30. Review status: criteria provided, single submitter. Criteria: GeneDx Variant Classification Process June 2021. Collection method: clinical testing. Allele origin: germline. Affected: yes.
Comment: In silico analysis supports that this missense variant has a deleterious effect on protein structure/function; Has not been previously published as pathogenic or benign to our knowledge; Variants in candidate genes are classified as variants of uncertain significance in accordance with ACMG guidelines (Richards et al., 2015)